The following is an entry in ClinVar:

ClinVar aggregate classification (germline): Uncertain significance. Review status: criteria provided, multiple submitters, no conflicts (2 of 4 stars). 3 submissions from 3 submitters: Uncertain significance (3). Last evaluated 2025-03-25.

Conditions:
Hereditary cancer-predisposing syndrome. Also called: Tumor predisposition; Neoplastic Syndromes, Hereditary; Hereditary Cancer Syndrome; Hereditary neoplastic syndrome. Identifiers: Orphanet 140162, MedGen C0027672, MeSH D009386, MONDO:0015356.
Familial cancer of breast. Also called: BREAST CANCER, FAMILIAL; Hereditary breast cancer; hereditary breast carcinoma. Identifiers: Orphanet 227535, MedGen C0346153, MONDO:0016419, OMIM 114480. Disease mechanism: loss of function.
Fanconi anemia complementation group J. Also called: BRIP1-Related Fanconi Anemia. Identifiers: Orphanet 84, MedGen C1836860, MONDO:0012187, OMIM 609054.

Allele frequency attached by ClinVar (database versions not stated): gnomAD exomes below 0.00001.

Submissions (3):

Labcorp Genetics (formerly Invitae), Labcorp
Classification: Uncertain significance for Familial cancer of breast; Fanconi anemia complementation group J. Last evaluated: 2025-03-25. Review status: criteria provided, single submitter. Criteria: Invitae Variant Classification Sherloc (09022015). Collection method: clinical testing. Allele origin: germline.
Comment: This variant, c.3528_3529insTTT, results in the insertion of 1 amino acid(s) of the BRIP1 protein (p.Ile1176_Lys1177insPhe), but otherwise preserves the integrity of the reading frame. This variant is not present in population databases (gnomAD no frequency). This variant has not been reported in the literature in individuals affected with BRIP1-related conditions. ClinVar contains an entry for this variant (Variation ID: 2664917). In summary, the available evidence is currently insufficient to determine the role of this variant in disease. Therefore, it has been classified as a Variant of Uncertain Significance.

Institute for Biomarker Research, Medical Diagnostic Laboratories, L.L.C.
Classification: Uncertain significance for Hereditary cancer-predisposing syndrome. Last evaluated: 2023-08-04. Review status: criteria provided, single submitter. Criteria: ACMG Guidelines, 2015. Collection method: clinical testing. Allele origin: germline.

Neuberg Centre For Genomic Medicine, NCGM
Classification: Uncertain significance for Familial cancer of breast. Last evaluated: 2023-02-14. Review status: criteria provided, single submitter. Criteria: ACMG Guidelines, 2015. Collection method: clinical testing. Allele origin: germline. Inheritance: Autosomal dominant inheritance. Affected: yes.

NM_032043.3(BRIP1):c.3528_3529insTTT (p.Ile1176_Lys1177insPhe)

Gene: BRIP1 (BRCA1 interacting DNA helicase 1; minus strand). Cytogenetic location: 17q23.2.
Variant type: Insertion.
Coding change: c.3528_3529insTTT on transcript NM_032043.3 (MANE Select); coding-DNA positions 3528 to 3529, TTT inserted.
Protein change: p.Ile1176_Lys1177insPhe.
Molecular consequence: inframe insertion.
Genome position: GRCh38 VCF-style: chr17-61683517-T-TAAA. GRCh37 (hg19) VCF-style: chr17-59760878-T-TAAA.
Identifiers: ClinVar variation 2664917 (VCV002664917.5), dbSNP rs2544554346, ClinGen allele CA2639153815.
Genomic context (GRCh38, chr17:61,683,517, plus strand): 5'-CATTCAACTTTGTATCTATGCAATCCTCAGCTTTCACTTCTCTGGCTGAATCTACTTCTT[T>TAAA]TATAGTTCTAATTTCAAAAAGGTCTTTAGCTAAAATGCAATCTGAATTGTTAGCCAATCT-3'